The following is an entry in ClinVar:

NM_021098.3(CACNA1H):c.6013C>T (p.Arg2005Cys)

Gene: CACNA1H (calcium voltage-gated channel subunit alpha1 H; plus strand). Cytogenetic location: 16p13.3.
Variant type: single nucleotide variant.
Coding change: c.6013C>T on transcript NM_021098.3 (MANE Select); coding-DNA position 6013, C replaced by T.
Protein change: p.Arg2005Cys; replaces arginine 2005 with cysteine.
Molecular consequence: missense variant.
Genome position (GRCh38, 1-based): chr16:1,219,095, C>T. VCF-style: chr16-1219095-C-T. GRCh37 (hg19) VCF-style: chr16-1269095-C-T.
Other names: p.Arg2005Cys; c.5995C>T, p.Arg1999Cys (NM_001005407.2); short protein forms R2005C, R1999C.
Identifiers: ClinVar variation 585654 (VCV000585654.14), dbSNP rs72552056, ClinGen allele CA7802198.
Genomic context (GRCh38, chr16:1,219,095, plus strand): 5'-GTGTCGTCCCCAGCCAGGAGCGGCGAGCCCCTCCACGCCCTGTCCCCTCGGGGCACAGCC[C>T]GCTCCCCCAGTCTCAGCCGGCTGCTCTGCAGACAGGTAGGAGAAGCCGTTGGCCTGCAGC-3'
Protein context (NP_066921.2, residues 1995-2015): LHALSPRGTA[Arg2005Cys]SPSLSRLLCR

ClinVar aggregate classification (germline): Benign/Likely benign. Review status: criteria provided, multiple submitters, no conflicts (2 of 4 stars). 6 submissions from 6 submitters: Benign (5); Likely benign (1). Last evaluated 2026-02-04.

Conditions:
Idiopathic generalized epilepsy. Also called: Generalised epilepsy; EIG. Identifiers: MedGen C0270850, MONDO:0005579, OMIM 600669.
Hyperaldosteronism, familial, type IV (HALD4). Also called: FH IV; ALDOSTERONISM, PRIMARY, AND HYPERTENSION. Identifiers: Orphanet 642671, MedGen C4310756, MONDO:0014875, OMIM 617027.

Allele frequency attached by ClinVar (database versions not stated): 1000 Genomes Project 0.03275; 1000 Genomes Project 30x 0.03295; ESP Exome Variant Server 0.03892; TOPMed 0.04325; gnomAD 0.04911; gnomAD exomes 0.05657; ExAC 0.09078.

Submissions (6):

Labcorp Genetics (formerly Invitae), Labcorp
Classification: Benign for Idiopathic generalized epilepsy; Hyperaldosteronism, familial, type IV. Last evaluated: 2026-02-04. Review status: criteria provided, single submitter. Criteria: Invitae Variant Classification Sherloc (09022015). Collection method: clinical testing. Allele origin: germline.

Blueprint Genetics
Classification: Likely benign. Last evaluated: 2024-11-27. Review status: criteria provided, single submitter. Criteria: ACMG Guidelines, 2015. Collection method: clinical testing. Allele origin: germline.

Mayo Clinic Laboratories, Mayo Clinic
Classification: Benign. Last evaluated: 2023-09-01. Review status: criteria provided, single submitter. Criteria: ACMG Guidelines, 2015. Collection method: clinical testing. Allele origin: germline. Observed: 8 variant alleles.
Comment: BA1

GeneDx
Classification: Benign. Last evaluated: 2020-01-07. Review status: criteria provided, single submitter. Criteria: GeneDx Variant Classification Process June 2021. Collection method: clinical testing. Allele origin: germline. Affected: yes.
Comment: This variant is associated with the following publications: (PMID: 17696120, 28933792, 29588962)

Athena Diagnostics
Classification: Benign. Last evaluated: 2017-04-20. Review status: criteria provided, single submitter. Criteria: Athena Diagnostics Criteria. Collection method: clinical testing. Allele origin: germline.

Breakthrough Genomics
Classification: Benign. Review status: criteria provided, single submitter. Criteria: ACMG Guidelines, 2015. Collection method: not provided. Allele origin: germline. Inheritance: Autosomal dominant inheritance. Affected: yes.